The following is an entry in ClinVar:

NM_020774.4(MIB1):c.2438C>T (p.Ser813Phe)

Gene: MIB1 (MIB E3 ubiquitin protein ligase 1; plus strand). Cytogenetic location: 18q11.2.
Variant type: single nucleotide variant.
Coding change: c.2438C>T on transcript NM_020774.4 (MANE Select); coding-DNA position 2438, C replaced by T.
Protein change: p.Ser813Phe; replaces serine 813 with phenylalanine.
Molecular consequence: missense variant.
Genome position (GRCh38, 1-based): chr18:21,849,240, C>T. VCF-style: chr18-21849240-C-T. GRCh37 (hg19) VCF-style: chr18-19429201-C-T.
Other names: short protein forms S813F.
Identifiers: ClinVar variation 2563674 (VCV002563674.2), dbSNP rs2510595332, ClinGen allele CA401796167.

ClinVar aggregate classification (germline): Uncertain significance (1 of 4 stars; one submission).

Conditions:
Inborn genetic diseases. Identifiers: MedGen C0950123, MeSH D030342.

Submission:

Ambry Genetics
Classification: Uncertain significance for Inborn genetic diseases. Last evaluated: 2023-04-14. Review status: criteria provided, single submitter. Criteria: Ambry Variant Classification Scheme 2023. Collection method: clinical testing. Allele origin: germline.
Comment: The p.S813F variant (also known as c.2438C>T), located in coding exon 17 of the MIB1 gene, results from a C to T substitution at nucleotide position 2438. The serine at codon 813 is replaced by phenylalanine, an amino acid with highly dissimilar properties. This amino acid position is conserved. In addition, the in silico prediction for this alteration is inconclusive. Since supporting evidence is limited at this time, the clinical significance of this alteration remains unclear.